The following is an entry in ClinVar:

NM_014159.7(SETD2):c.4320A>T (p.Pro1440=)

Gene: SETD2 (SET domain containing 2, histone lysine methyltransferase; minus strand). Cytogenetic location: 3p21.31.
Variant type: single nucleotide variant.
Coding change: c.4320A>T on transcript NM_014159.7 (MANE Select); coding-DNA position 4320, A replaced by T.
Protein change: p.Pro1440=; no amino-acid change (proline 1440 retained).
Molecular consequence: synonymous variant. On other transcripts: non-coding transcript variant (1).
Genome position (GRCh38, 1-based): chr3:47,120,316, T>A on the plus strand (A>T on the coding strand, the complement: SETD2 is on the minus strand). VCF-style: chr3-47120316-T-A. GRCh37 (hg19) VCF-style: chr3-47161806-T-A.
Other names: p.Pro1440=; c.4188A>T, p.Pro1396= (NM_001349370.3).
Identifiers: ClinVar variation 475517 (VCV000475517.21), dbSNP rs74485823, ClinGen allele CA2363232.

ClinVar aggregate classification (germline): Benign/Likely benign. Review status: criteria provided, multiple submitters, no conflicts (2 of 4 stars). 7 submissions from 7 submitters: Benign (5); Likely benign (2). Last evaluated 2026-01-28.

Conditions:
Luscan-Lumish syndrome. Identifiers: Orphanet 597738, MedGen C4085873, MONDO:0014791, OMIM 616831.

Allele frequency attached by ClinVar (database versions not stated): gnomAD exomes 0.00080 and 0.00191; ExAC 0.00237; 1000 Genomes Project 0.00839; 1000 Genomes Project 30x 0.00890; ESP Exome Variant Server 0.00907; TOPMed 0.00907.
gnomAD v4.1: 2,387 of 1,613,926 alleles (0.15%); highest among the groups gnomAD compares: African/African-American, 3%; 36 homozygotes.

Submissions (7):

Labcorp Genetics (formerly Invitae), Labcorp
Classification: Benign for Luscan-Lumish syndrome. Last evaluated: 2026-01-28. Review status: criteria provided, single submitter. Criteria: Invitae Variant Classification Sherloc (09022015). Collection method: clinical testing. Allele origin: germline.

Mayo Clinic Laboratories, Mayo Clinic
Classification: Benign. Last evaluated: 2025-03-11. Review status: criteria provided, single submitter. Criteria: ACMG Guidelines, 2015. Collection method: clinical testing. Allele origin: germline. Observed: 1 variant allele.
Comment: BA1, BP4, BP7

Athena Diagnostics
Classification: Benign. Last evaluated: 2025-03-03. Review status: criteria provided, single submitter. Criteria: Athena Diagnostics Criteria. Collection method: clinical testing. Allele origin: unknown.
Comment: The frequency of this variant in the general population is higher than would generally be expected for pathogenic variants in this gene.

Genome-Nilou Lab
Classification: Benign for Luscan-Lumish syndrome. Last evaluated: 2022-03-15. Review status: criteria provided, single submitter. Criteria: ACMG Guidelines, 2015. Collection method: clinical testing. Allele origin: germline. Affected: no.

GeneDx
Classification: Likely benign. Last evaluated: 2021-04-20. Review status: criteria provided, single submitter. Criteria: GeneDx Variant Classification Process June 2021. Collection method: clinical testing. Allele origin: germline. Affected: yes.

Genetic Services Laboratory, University of Chicago
Classification: Benign. Last evaluated: 2018-10-23. Review status: criteria provided, single submitter. Criteria: ACMG Guidelines, 2015. Collection method: clinical testing. Allele origin: germline. Affected: no.

Breakthrough Genomics
Classification: Likely benign. Review status: criteria provided, single submitter. Criteria: ACMG Guidelines, 2015. Collection method: not provided. Allele origin: germline. Inheritance: Autosomal dominant inheritance. Affected: yes.